The following is an entry in ClinVar:

NC_000002.11:g.(?_15467854)_(15694282_?)dup

Gene: NBAS (NBAS subunit of NRZ tethering complex; minus strand). Cytogenetic location: 2p24.3.
Variant type: Duplication.
Identifiers: ClinVar variation 1520566 (VCV001520566.5).

ClinVar aggregate classification (germline): Likely pathogenic (1 of 4 stars; one submission).

Submission:

Labcorp Genetics (formerly Invitae), Labcorp
Classification: Likely pathogenic. Last evaluated: 2022-08-16. Review status: criteria provided, single submitter. Criteria: Invitae Variant Classification Sherloc (09022015). Collection method: clinical testing. Allele origin: germline.
Comment: In summary, the currently available evidence indicates that the variant is pathogenic, but additional data are needed to prove that conclusively. Therefore, this variant has been classified as Likely Pathogenic. This variant has not been reported in the literature in individuals affected with NBAS-related conditions. This variant results in a copy number gain of the genomic region encompassing exon(s) 4-38 of the NBAS gene. While the exact position of this variant cannot be determined from the data, sub-genic copy number gains are generally in tandem (PMID: 25640679). This variant is predicted to be out-of-frame, and may result in an absent or disrupted protein product. Loss-of-function variants in NBAS are known to be pathogenic (PMID: 26073778, 26541327, 27789416, 28031453).

Literature cited by the submitters: PubMed 25640679; PubMed 26073778; PubMed 26541327; PubMed 27789416; PubMed 28031453.